The following is an entry in ClinVar:

ClinVar aggregate classification (germline): Uncertain significance (1 of 4 stars; one submission).

Submission:

GeneDx
Classification: Uncertain significance. Last evaluated: 2023-12-11. Review status: criteria provided, single submitter. Criteria: GeneDx Variant Classification Process June 2021. Collection method: clinical testing. Allele origin: germline. Affected: yes.
Comment: Not observed at significant frequency in large population cohorts (gnomAD); In silico analysis supports that this missense variant has a deleterious effect on protein structure/function; Has not been previously published as pathogenic or benign to our knowledge

NM_020706.2(SCAF4):c.403G>A (p.Ala135Thr)

Gene: SCAF4 (SR-related CTD associated factor 4; minus strand). Cytogenetic location: 21q22.11.
Variant type: single nucleotide variant.
Coding change: c.403G>A on transcript NM_020706.2 (MANE Select); coding-DNA position 403, G replaced by A.
Protein change: p.Ala135Thr; replaces alanine 135 with threonine.
Molecular consequence: missense variant.
Genome position (GRCh38, 1-based): chr21:31,702,298, C>T on the plus strand (G>A on the coding strand, the complement: SCAF4 is on the minus strand). VCF-style: chr21-31702298-C-T. GRCh37 (hg19) VCF-style: chr21-33074611-C-T.
Other names: c.358G>A, p.Ala120Thr (NM_001145444.1); c.403G>A, p.Ala135Thr (NM_001145445.1); short protein forms A120T, A135T.
Identifiers: ClinVar variation 3253105 (VCV003253105.1), dbSNP rs2516804248.
Genomic context (GRCh38, chr21:31,702,298, plus strand): 5'-CCATACCTTCATTATTGGTAACATTTTCTGCTACTGGGGCTGCATTACTGGTTCCCGCTG[C>T]CATGTCCAAAAGAGGTTGAATAATTTCAATTTTGAACACTCCATTTTTTTGCCAAAGGTT-3'
Protein context (NP_065757.1, residues 125-145): IEIIQPLLDM[Ala135Thr]AGTSNAAPVA